The following is an entry in ClinVar:

NM_001173464.2(KIF21A):c.608A>G (p.Gln203Arg)

Gene: KIF21A (kinesin family member 21A; minus strand). Cytogenetic location: 12q12.
Variant type: single nucleotide variant.
Coding change: c.608A>G on transcript NM_001173464.2 (MANE Select); coding-DNA position 608, A replaced by G.
Protein change: p.Gln203Arg; replaces glutamine 203 with arginine.
Molecular consequence: missense variant.
Genome position (GRCh38, 1-based): chr12:39,367,157, T>C on the plus strand (A>G on the coding strand, the complement: KIF21A is on the minus strand). VCF-style: chr12-39367157-T-C. GRCh37 (hg19) VCF-style: chr12-39760959-T-C.
Other names: c.608A>G, p.Gln203Arg (NM_001173463.2, NM_001173465.2, NM_017641.4); short protein forms Q203R.
Identifiers: ClinVar variation 308589 (VCV000308589.7), dbSNP rs149328427, ClinGen allele CA6511215.
Genomic context (GRCh38, chr12:39,367,157, plus strand): 5'-CTCTGAACATTCATCTGGGTACTGGCAGTTGTCCGGGATAAAGCACCCAACTTCAAACAC[T>C]GCATCATCTGAAAAAGGGGAAGAAACAAGGACTTTACTTGAACAATAAACAAGATACTAT-3'
Protein context (NP_001166935.1, residues 193-213): RTVNTESEMM[Gln203Arg]CLKLGALSRT

ClinVar aggregate classification (germline): Conflicting classifications of pathogenicity. Review status: criteria provided, conflicting classifications (1 of 4 stars). 3 submissions from 3 submitters: Uncertain significance (1); Benign (2). Last evaluated 2021-07-09.

Conditions:
Congenital fibrosis of extraocular muscles type 1. Also called: CFEOM3B; BLEPHAROPTOSIS WITH ABSENT EYE MOVEMENTS; OPHTHALMOPLEGIA, CONGENITAL; FEOM1 LOCUS. Identifiers: MedGen C1851102, MONDO:0021083, OMIM 135700.
Inborn genetic diseases. Identifiers: MedGen C0950123, MeSH D030342.

Allele frequency attached by ClinVar (database versions not stated): gnomAD 0.00021 and 0.00020; ESP Exome Variant Server 0.00023; gnomAD exomes 0.00017 and 0.00031; ExAC 0.00018; TOPMed 0.00019.
gnomAD v4.1: 290 of 1,613,712 alleles (0.018%); highest among the groups gnomAD compares: Non-Finnish European, 0.0042%; no homozygotes.

Submissions (3):

Ambry Genetics
Classification: Uncertain significance for Inborn genetic diseases. Last evaluated: 2021-07-09. Review status: criteria provided, single submitter. Criteria: Ambry Variant Classification Scheme 2023. Collection method: clinical testing. Allele origin: germline.

Illumina Laboratory Services, Illumina
Classification: Benign for Congenital fibrosis of extraocular muscles type 1. Last evaluated: 2018-01-12. Review status: criteria provided, single submitter. Criteria: ICSL Variant Classification Criteria 13 December 2019. Collection method: clinical testing. Allele origin: germline.
Comment: This variant was observed in the ICSL laboratory as part of a predisposition screen in an ostensibly healthy population. It had not been previously curated by ICSL or reported in the Human Gene Mutation Database (HGMD: prior to June 1st, 2018), and was therefore a candidate for classification through an automated scoring system. Utilizing variant allele frequency, disease prevalence and penetrance estimates, and inheritance mode, an automated score was calculated to assess if this variant is too frequent to cause the disease. Based on the score and internal cut-off values, a variant classified as benign is not then subjected to further curation. The score for this variant resulted in a classification of benign for this disease.

Breakthrough Genomics
Classification: Benign. Review status: criteria provided, single submitter. Criteria: ACMG Guidelines, 2015. Collection method: not provided. Allele origin: germline. Inheritance: Autosomal dominant inheritance. Affected: yes.